The following is an entry in ClinVar:

NM_007194.4(CHEK2):c.82del (p.Ser28fs)

Gene: CHEK2 (checkpoint kinase 2; minus strand). Cytogenetic location: 22q12.1.
Variant type: Deletion.
Coding change: c.82del on transcript NM_007194.4 (MANE Select); coding-DNA position 82, one base deleted (T; older notation c.82delT).
Protein change: p.Ser28fs; shifts the reading frame from serine 28.
Molecular consequence: frameshift variant.
Genome position (GRCh38, 1-based): chr22:28,734,640, A deleted on the plus strand (T on the coding strand, the reverse complement: CHEK2 is on the minus strand). VCF-style (leftmost placement, unchanged base first): chr22-28734639-GA-G. GRCh37 (hg19) VCF-style: chr22-29130627-GA-G.
Other names: c.82delT, p.Ser28Profs (NM_001005735.3, NM_001349956.3, NM_145862.3); c.-696delT (NM_001257387.3); short protein forms S28fs.
Identifiers: ClinVar variation 1072791 (VCV001072791.8), dbSNP rs2146153089, ClinGen allele CA2499226107.
Genomic context (GRCh38, chr22:28,734,639, plus strand): 5'-TTTGGCATCGTGCTGGTAGAGGAGCTGGATATGCCCTGGGACTGTGAGGAGGAGCCTTGG[GA>G]CTGGGTAACGCTGCCATGGGGCTGTGAACAGGCACTGCTGCCATGAGACTGCTGAGCCTC-3'

ClinVar aggregate classification (germline): Pathogenic (1 of 4 stars; one submission).

Conditions:
Familial cancer of breast. Also called: Hereditary breast cancer; hereditary breast carcinoma; BREAST CANCER, FAMILIAL. Identifiers: Orphanet 227535, MedGen C0346153, MONDO:0016419, OMIM 114480. Disease mechanism: loss of function.

Submission:

Labcorp Genetics (formerly Invitae), Labcorp
Classification: Pathogenic for Familial cancer of breast. Last evaluated: 2024-12-21. Review status: criteria provided, single submitter. Criteria: Invitae Variant Classification Sherloc (09022015). Collection method: clinical testing. Allele origin: germline.
Comment: This sequence change creates a premature translational stop signal (p.Ser28Profs*33) in the CHEK2 gene. It is expected to result in an absent or disrupted protein product. Loss-of-function variants in CHEK2 are known to be pathogenic (PMID: 21876083, 24713400). This variant is not present in population databases (gnomAD no frequency). This variant has not been reported in the literature in individuals affected with CHEK2-related conditions. ClinVar contains an entry for this variant (Variation ID: 1072791). For these reasons, this variant has been classified as Pathogenic.

Literature cited by the submitters: PubMed 21876083; PubMed 24713400.